The following is an entry in ClinVar:

NM_005689.4(ABCB6):c.89C>T (p.Thr30Met)

Gene: ABCB6 (ATP binding cassette subfamily B member 6 (LAN blood group); minus strand). Cytogenetic location: 2q35.
Variant type: single nucleotide variant.
Coding change: c.89C>T on transcript NM_005689.4 (MANE Select); coding-DNA position 89, C replaced by T.
Protein change: p.Thr30Met; replaces threonine 30 with methionine.
Molecular consequence: missense variant.
Genome position (GRCh38, 1-based): chr2:219,218,585, G>A on the plus strand (C>T on the coding strand, the complement: ABCB6 is on the minus strand). VCF-style: chr2-219218585-G-A. GRCh37 (hg19) VCF-style: chr2-220083307-G-A.
Other names: c.89C>T, p.Thr30Met (NM_001349828.2); short protein forms T30M.
Identifiers: ClinVar variation 3778757 (VCV003778757.1).

ClinVar aggregate classification (germline): Uncertain significance (1 of 4 stars; one submission).

Conditions:
Microphthalmia, isolated, with coloboma 7 (MCOPCB7). Also called: ocular coloboma; MICROPHTHALMIA/COLOBOMA 7. Identifiers: Orphanet 98938, MedGen C3281027, MONDO:0013783, OMIM 614497.

gnomAD v4.1: 36 of 1,612,504 alleles (0.0022%); highest among the groups gnomAD compares: Non-Finnish European, 0.0029%; no homozygotes.

Submission:

Daryl Scott Lab, Baylor College of Medicine
Classification: Uncertain significance for Microphthalmia, isolated, with coloboma 7. Last evaluated: 2024-04-01. Review status: criteria provided, single submitter. Criteria: ACMG Guidelines, 2015. Collection method: clinical testing. Allele origin: paternal. Observed: 1 heterozygote.
Comment: PP3